The following is an entry in ClinVar:

ClinVar aggregate classification (germline): Uncertain significance (1 of 4 stars; one submission).

Conditions:
Rubinstein-Taybi syndrome due to EP300 haploinsufficiency. Also called: RUBINSTEIN-TAYBI SYNDROME 2; EP300-Related Rubinstein-Taybi Syndrome. Identifiers: Orphanet 353284, Orphanet 783, MedGen C3150941, MONDO:0013364, OMIM 613684.

Submission:

Labcorp Genetics (formerly Invitae), Labcorp
Classification: Uncertain significance for Rubinstein-Taybi syndrome due to EP300 haploinsufficiency. Last evaluated: 2023-05-22. Review status: criteria provided, single submitter. Criteria: Invitae Variant Classification Sherloc (09022015). Collection method: clinical testing. Allele origin: germline.
Comment: Experimental studies and prediction algorithms are not available or were not evaluated, and the functional significance of this variant is currently unknown. This variant, c.3803_3805del, results in the deletion of 1 amino acid(s) of the EP300 protein (p.Ala1268del), but otherwise preserves the integrity of the reading frame. This variant is not present in population databases (gnomAD no frequency). This variant has not been reported in the literature in individuals affected with EP300-related conditions. In summary, the available evidence is currently insufficient to determine the role of this variant in disease. Therefore, it has been classified as a Variant of Uncertain Significance.

NM_001429.4(EP300):c.3800CTG[1] (p.Ala1268del)

Gene: EP300 (EP300 lysine acetyltransferase; plus strand). Cytogenetic location: 22q13.2.
Variant type: Microsatellite.
Coding change: c.3800CTG[1] on transcript NM_001429.4 (MANE Select); one copy of the 3-base unit CTG starting at c.3800; the reference has two copies in a row; one copy, 3 bases deleted.
Protein change: p.Ala1268del; deletes alanine 1268.
Molecular consequence: inframe deletion.
Genome position (GRCh38, 1-based): chr22:41,164,127-41,164,129, CTG deleted; deleting any 3 consecutive bases within chr22:41,164,124-41,164,129 gives the same sequence; the position shown is the placement nearest the transcript's 3' end. VCF-style (leftmost placement, unchanged base first): chr22-41164123-CCTG-C. GRCh37 (hg19) VCF-style: chr22-41560127-CCTG-C.
Other names: c.3722CTG[1], p.Ala1242del (NM_001362843.2); short protein forms A1242del, A1268del.
Identifiers: ClinVar variation 2867267 (VCV002867267.3), dbSNP rs2517815363, ClinGen allele CA2739267989.